The following is an entry in ClinVar:

NM_004700.4(KCNQ4):c.910G>A (p.Ala304Thr)

Gene: KCNQ4 (potassium voltage-gated channel subfamily Q member 4; plus strand). Cytogenetic location: 1p34.2.
Variant type: single nucleotide variant.
Coding change: c.910G>A on transcript NM_004700.4 (MANE Select); coding-DNA position 910, G replaced by A.
Protein change: p.Ala304Thr; replaces alanine 304 with threonine.
Molecular consequence: missense variant.
Genome position (GRCh38, 1-based): chr1:40,819,950, G>A. VCF-style: chr1-40819950-G-A. GRCh37 (hg19) VCF-style: chr1-41285622-G-A.
Other names: c.910G>A, p.Ala304Thr (NM_172163.3); short protein forms A304T.
Identifiers: ClinVar variation 4766409 (VCV004766409.1).

ClinVar aggregate classification (germline): Uncertain significance (1 of 4 stars; one submission).

gnomAD v4.1: 5 of 1,614,184 alleles (0.00031%); highest among the groups gnomAD compares: Admixed American, 0.0017%; no homozygotes.

Submission:

Labcorp Genetics (formerly Invitae), Labcorp
Classification: Uncertain significance. Last evaluated: 2025-09-21. Review status: criteria provided, single submitter. Criteria: Invitae Variant Classification Sherloc (09022015). Collection method: clinical testing. Allele origin: germline.
Comment: This sequence change replaces alanine, which is neutral and non-polar, with threonine, which is neutral and polar, at codon 304 of the KCNQ4 protein (p.Ala304Thr). This variant is present in population databases (rs772355179, gnomAD 0.003%). This variant has not been reported in the literature in individuals affected with KCNQ4-related conditions. Invitae Evidence Modeling of protein sequence and biophysical properties (such as structural, functional, and spatial information, amino acid conservation, physicochemical variation, residue mobility, and thermodynamic stability) indicates that this missense variant is not expected to disrupt KCNQ4 protein function with a negative predictive value of 95%. In summary, the available evidence is currently insufficient to determine the role of this variant in disease. Therefore, it has been classified as a Variant of Uncertain Significance.